The following is an entry in ClinVar:

NM_005026.5(PIK3CD):c.2864+3G>A

Gene: PIK3CD (phosphatidylinositol-4,5-bisphosphate 3-kinase catalytic subunit delta; plus strand). Cytogenetic location: 1p36.22.
Variant type: single nucleotide variant.
Coding change: c.2864+3G>A on transcript NM_005026.5 (MANE Select); 3 bases into the intron after coding-DNA position 2864, G replaced by A.
Molecular consequence: intron variant.
Genome position (GRCh38, 1-based): chr1:9,724,424, G>A. VCF-style: chr1-9724424-G-A. GRCh37 (hg19) VCF-style: chr1-9784482-G-A.
Other names: c.2861+3G>A (NM_001350234.2); c.2777+3G>A (NM_001350235.1).
Identifiers: ClinVar variation 1994606 (VCV001994606.4), dbSNP rs757126426, ClinGen allele CA2580062571.

ClinVar aggregate classification (germline): Uncertain significance (1 of 4 stars; one submission).

Conditions:
Immunodeficiency 14 (IMD14A). Also called: Activated PI3K Delta Syndrome Type 1 (APDS1); p110-DELTA-ACTIVATING MUTATION CAUSING SENESCENT T CELLS, LYMPHADENOPATHY, AND IMMUNODEFICIENCY; IMMUNODEFICIENCY 14A WITH LYMPHOPROLIFERATION, AUTOSOMAL DOMINANT; ACTIVATED PI3K-DELTA SYNDROME 1. Identifiers: Orphanet 397596, Orphanet 693661, MedGen C5907821, MONDO:0014222, OMIM 615513.

gnomAD v4.1: 1 of 1,614,018 alleles (0.000062%); highest among the groups gnomAD compares: Non-Finnish European, 0.000085%; no homozygotes.

Submission:

Labcorp Genetics (formerly Invitae), Labcorp
Classification: Uncertain significance for Activated PI3K-delta syndrome. Last evaluated: 2024-05-08. Review status: criteria provided, single submitter. Criteria: Invitae Variant Classification Sherloc (09022015). Collection method: clinical testing. Allele origin: germline.
Comment: This sequence change falls in intron 22 of the PIK3CD gene. It does not directly change the encoded amino acid sequence of the PIK3CD protein. It affects a nucleotide within the consensus splice site. This variant is not present in population databases (gnomAD no frequency). This variant has not been reported in the literature in individuals affected with PIK3CD-related conditions. ClinVar contains an entry for this variant (Variation ID: 1994606). Variants that disrupt the consensus splice site are a relatively common cause of aberrant splicing (PMID: 17576681, 9536098). Algorithms developed to predict the effect of sequence changes on RNA splicing suggest that this variant is not likely to affect RNA splicing. In summary, the available evidence is currently insufficient to determine the role of this variant in disease. Therefore, it has been classified as a Variant of Uncertain Significance.

Literature cited by the submitters: PubMed 17576681; PubMed 9536098.